The following is an entry in ClinVar:

NM_001005242.3(PKP2):c.222C>A (p.Asn74Lys)

Gene: PKP2 (plakophilin 2; minus strand). Cytogenetic location: 12p11.21.
Variant type: single nucleotide variant.
Coding change: c.222C>A on transcript NM_001005242.3 (MANE Select); coding-DNA position 222, C replaced by A.
Protein change: p.Asn74Lys; replaces asparagine 74 with lysine.
Molecular consequence: missense variant.
Genome position (GRCh38, 1-based): chr12:32,896,510, G>T on the plus strand (C>A on the coding strand, the complement: PKP2 is on the minus strand). VCF-style: chr12-32896510-G-T. GRCh37 (hg19) VCF-style: chr12-33049444-G-T.
Other names: c.222C>A, p.Asn74Lys (NM_004572.4); short protein forms N74K.
Identifiers: ClinVar variation 229149 (VCV000229149.12), dbSNP rs753180642, ClinGen allele CA10576925.
Genomic context (GRCh38, chr12:32,896,510, plus strand): 5'-GAGGAGGTGACCGGGTGTGGGGCAGGGGGCGGCGCCGGGGAGCGGCGGGCTCCACTCACC[G>T]TTGCCCACGGAGCTGCGGCCCTTCCGGGCGAGGGTCTGCTGCACCTGCTCCTGGATCCGC-3'
Protein context (NP_001005242.2, residues 64-84): LARKGRSSVG[Asn74Lys]GNLHRTSSVP

ClinVar aggregate classification (germline): Uncertain significance. Review status: criteria provided, multiple submitters, no conflicts (2 of 4 stars). 2 submissions from 2 submitters: Uncertain significance (2). Last evaluated 2025-04-04.

Conditions:
Arrhythmogenic right ventricular dysplasia 9 (ARVD9). Also called: Arrhythmogenic Right Ventricular Dysplasia/Cardiomyopathy 9; ARRHYTHMOGENIC RIGHT VENTRICULAR DYSPLASIA, FAMILIAL, 9. Identifiers: MedGen C1836906, MONDO:0012180, OMIM 609040.

Allele frequency attached by ClinVar (database versions not stated): gnomAD 0.00001; TOPMed 0.00001.
gnomAD v4.1: 3 of 1,517,798 alleles (0.0002%); highest among the groups gnomAD compares: African/African-American, 0.0028%; no homozygotes.

Submissions (2):

Labcorp Genetics (formerly Invitae), Labcorp
Classification: Uncertain significance for Arrhythmogenic right ventricular dysplasia 9. Last evaluated: 2025-04-04. Review status: criteria provided, single submitter. Criteria: Invitae Variant Classification Sherloc (09022015). Collection method: clinical testing. Allele origin: germline.
Comment: This sequence change replaces asparagine, which is neutral and polar, with lysine, which is basic and polar, at codon 74 of the PKP2 protein (p.Asn74Lys). This variant is present in population databases (no rsID available, gnomAD 0.01%). This variant has not been reported in the literature in individuals affected with PKP2-related conditions. ClinVar contains an entry for this variant (Variation ID: 229149). An algorithm developed to predict the effect of missense changes on protein structure and function (PolyPhen-2) suggests that this variant is likely to be tolerated. In summary, the available evidence is currently insufficient to determine the role of this variant in disease. Therefore, it has been classified as a Variant of Uncertain Significance.

Laboratory for Molecular Medicine, Mass General Brigham Personalized Medicine
Classification: Uncertain significance. Last evaluated: 2016-03-23. Review status: criteria provided, single submitter. Criteria: LMM Criteria. Collection method: clinical testing. Allele origin: germline. Observed: 1 variant allele.
Comment: The p.Asn74Lys variant in PKP2 has not been previously reported in individuals w ith cardiomyopathy. Data from large population studies is insufficient to asses s the frequency of this variant. Computational prediction tools and conservatio n analyses suggest that the p.Asn74Lys variant may not impact the protein, thoug h this information is not predictive enough to rule out Pathogenicity. This vari ant is located in the 5' splice region. Computational tools do not suggest an im pact to splicing. However, this information is not predictive enough to rule out pathogenicity. In summary, the clinical significance of the p.Asn74Lys variant is uncertain.